The following is an entry in ClinVar:

NM_006389.5(HYOU1):c.508A>G (p.Lys170Glu)

Gene: HYOU1 (hypoxia up-regulated 1; minus strand). Cytogenetic location: 11q23.3.
Variant type: single nucleotide variant.
Coding change: c.508A>G on transcript NM_006389.5 (MANE Select); coding-DNA position 508, A replaced by G.
Protein change: p.Lys170Glu; replaces lysine 170 with glutamic acid.
Molecular consequence: missense variant.
Genome position (GRCh38, 1-based): chr11:119,054,664, T>C on the plus strand (A>G on the coding strand, the complement: HYOU1 is on the minus strand). VCF-style: chr11-119054664-T-C. GRCh37 (hg19) VCF-style: chr11-118925376-T-C.
Other names: c.508A>G, p.Lys170Glu (NM_001130991.3); c.508A>G (NM_006389.3); short protein forms K170E.
Identifiers: ClinVar variation 1411197 (VCV001411197.7), dbSNP rs782087443, ClinGen allele CA229648148.

ClinVar aggregate classification (germline): Uncertain significance. Review status: criteria provided, multiple submitters, no conflicts (2 of 4 stars). 2 submissions from 2 submitters: Uncertain significance (2). Last evaluated 2025-12-20.

Allele frequency attached by ClinVar (database versions not stated): gnomAD 0.00002; gnomAD exomes 0.00003.
gnomAD v4.1: 48 of 1,612,210 alleles (0.003%); highest among the groups gnomAD compares: Non-Finnish European, 0.0039%; no homozygotes.

Submissions (2):

Labcorp Genetics (formerly Invitae), Labcorp
Classification: Uncertain significance. Last evaluated: 2025-12-20. Review status: criteria provided, single submitter. Criteria: Invitae Variant Classification Sherloc (09022015). Collection method: clinical testing. Allele origin: germline.
Comment: This sequence change replaces lysine, which is basic and polar, with glutamic acid, which is acidic and polar, at codon 170 of the HYOU1 protein (p.Lys170Glu). This variant is present in population databases (rs782087443, gnomAD 0.005%). This variant has not been reported in the literature in individuals affected with HYOU1-related conditions. ClinVar contains an entry for this variant (Variation ID: 1411197). An algorithm developed to predict the effect of missense changes on protein structure and function (PolyPhen-2) suggests that this variant is likely to be disruptive. In summary, the available evidence is currently insufficient to determine the role of this variant in disease. Therefore, it has been classified as a Variant of Uncertain Significance.

Ambry Genetics
Classification: Uncertain significance. Last evaluated: 2024-11-28. Review status: criteria provided, single submitter. Criteria: Ambry Variant Classification Scheme 2023. Collection method: clinical testing. Allele origin: germline.